The following is an entry in ClinVar:

NM_001127496.3(SPRY4):c.299GCA[6] (p.Ser104_Thr105insSer)

Gene: SPRY4 (sprouty RTK signaling antagonist 4; minus strand). Cytogenetic location: 5q31.3.
Variant type: Microsatellite.
Coding change: c.299GCA[6] on transcript NM_001127496.3 (MANE Select); six copies in a row of the 3-base unit GCA starting at c.299; the reference has five copies in a row; one copy, 3 bases duplicated.
Protein change: p.Ser104_Thr105insSer.
Genome position (GRCh38, 1-based): chr5:142,314,796-142,314,798, TGC duplicated on the plus strand (GCA on the coding strand, the reverse complement: SPRY4 is on the minus strand); duplicating any 3 consecutive bases within chr5:142,314,796-142,314,811 gives the same sequence; the position shown is the placement nearest the transcript's 3' end. VCF-style (leftmost placement, unchanged base first): chr5-142314795-G-GTGC. GRCh37 (hg19) VCF-style: chr5-141694360-G-GTGC.
Other names: c.299GCA[6], p.Ser104_Thr105insSer (NM_001293289.3, NM_001293290.3); c.368GCA[6], p.Ser127_Thr128insSer (NM_030964.5).
Identifiers: ClinVar variation 3666655 (VCV003666655.2).

ClinVar aggregate classification (germline): Uncertain significance (1 of 4 stars; one submission).

Submission:

Labcorp Genetics (formerly Invitae), Labcorp
Classification: Uncertain significance. Last evaluated: 2024-04-01. Review status: criteria provided, single submitter. Criteria: Invitae Variant Classification Sherloc (09022015). Collection method: clinical testing. Allele origin: germline.
Comment: This variant, c.380_382dup, results in the insertion of 1 amino acid(s) of the SPRY4 protein (p.Ser127dup), but otherwise preserves the integrity of the reading frame. This variant is present in population databases (rs767452380, gnomAD 0.01%). This variant has not been reported in the literature in individuals affected with SPRY4-related conditions. In summary, the available evidence is currently insufficient to determine the role of this variant in disease. Therefore, it has been classified as a Variant of Uncertain Significance.